The following is an entry in ClinVar:

NM_014686.5(GARRE1):c.108G>A (p.Glu36=)

Gene: GARRE1 (granule associated Rac and RHOG effector 1; plus strand). Cytogenetic location: 19q13.11.
Variant type: single nucleotide variant.
Coding change: c.108G>A on transcript NM_014686.5 (MANE Select); coding-DNA position 108, G replaced by A.
Protein change: p.Glu36=; no amino-acid change (glutamic acid 36 retained).
Molecular consequence: synonymous variant.
Genome position (GRCh38, 1-based): chr19:34,300,581, G>A. VCF-style: chr19-34300581-G-A. GRCh37 (hg19) VCF-style: chr19-34791486-G-A.
Identifiers: ClinVar variation 2649699 (VCV002649699.24), dbSNP rs73580724, ClinGen allele CA9365879.
Genomic context (GRCh38, chr19:34,300,581, plus strand): 5'-CTTCCTGCTTGGCGGGTCCAAGCAGAAGGTGCAGCAGCACCAGCAATACCCGATGCCTGA[G>A]CTGGGCCGAGCACTGAGTGCTCCCCTGGCATCCACGGCCACCACTGCCCCCCTGGGCAGT-3'
Protein context (NP_055501.2, residues 26-46): VQQHQQYPMP[Glu36=]LGRALSAPLA

ClinVar aggregate classification (germline): Likely benign (1 of 4 stars; one submission).

Allele frequency attached by ClinVar (database versions not stated): 1000 Genomes Project 0.00160; ESP Exome Variant Server 0.00161; TOPMed 0.00191; 1000 Genomes Project 30x 0.00297.
gnomAD v4.1: 498 of 1,613,430 alleles (0.031%); highest among the groups gnomAD compares: African/African-American, 0.61%; 1 homozygote.

Submission:

CeGaT Center for Human Genetics Tuebingen
Classification: Likely benign. Last evaluated: 2022-04-01. Review status: criteria provided, single submitter. Criteria: CeGaT Center For Human Genetics Tuebingen Variant Classification Criteria Version 2. Collection method: clinical testing. Allele origin: germline. Affected: yes. Observed: 1 variant allele.
Comment: GARRE1: BP4